The following is an entry in ClinVar:

NM_001267550.2(TTN):c.70918C>T (p.Gln23640Ter)

Genes: TTN (titin; minus strand), TTN-AS1 (TTN antisense RNA 1; plus strand). Cytogenetic location: 2q31.2.
Variant type: single nucleotide variant.
Coding change: c.70918C>T on transcript NM_001267550.2 (MANE Select); coding-DNA position 70918, C replaced by T.
Protein change: p.Gln23640Ter; replaces glutamine 23640 with a stop codon.
Molecular consequence: nonsense.
Genome position (GRCh38, 1-based): chr2:178,575,214, G>A on the plus strand (C>T on the coding strand, the complement: TTN is on the minus strand). VCF-style: chr2-178575214-G-A. GRCh37 (hg19) VCF-style: chr2-179439941-G-A.
Other names: c.65995C>T, p.Gln21999Ter (NM_001256850.1); c.43723C>T, p.Gln14575Ter (NM_003319.4); c.63214C>T, p.Gln21072Ter (NM_133378.4); c.44098C>T, p.Gln14700Ter (NM_133432.3); c.44299C>T, p.Gln14767Ter (NM_133437.4); short protein forms Q14700*, Q14767*, Q21072*, Q21999*, Q14575*, Q23640*.
Identifiers: ClinVar variation 2953503 (VCV002953503.3), dbSNP rs547376963, ClinGen allele CA349660199.

ClinVar aggregate classification (germline): Likely pathogenic (1 of 4 stars; one submission).

Conditions:
Autosomal recessive limb-girdle muscular dystrophy type 2J (LGMDR10). Also called: Limb-girdle muscular dystrophy, type 2J; MUSCULAR DYSTROPHY, LIMB-GIRDLE, AUTOSOMAL RECESSIVE 10. Identifiers: Orphanet 140922, MedGen C1837342, MONDO:0012127, OMIM 608807.
Dilated cardiomyopathy 1G (CMD1G). Identifiers: Orphanet 154, MedGen C1858763, MONDO:0011400, OMIM 604145.

Submission:

Labcorp Genetics (formerly Invitae), Labcorp
Classification: Likely pathogenic for Dilated cardiomyopathy 1G; Autosomal recessive limb-girdle muscular dystrophy type 2J. Last evaluated: 2023-11-02. Review status: criteria provided, single submitter. Criteria: Invitae Variant Classification Sherloc (09022015). Collection method: clinical testing. Allele origin: germline.
Comment: This sequence change creates a premature translational stop signal (p.Gln23640*) in the TTN gene. While this is not anticipated to result in nonsense mediated decay, it is expected to create a truncated TTN protein. This variant is not present in population databases (gnomAD no frequency). This variant has not been reported in the literature in individuals affected with TTN-related conditions. This variant is located in the A band of TTN (PMID: 25589632). Truncating variants in this region are significantly overrepresented in patients affected with dilated cardiomyopathy (PMID: 25589632). Truncating variants in this region have also been reported in individuals affected with autosomal recessive centronuclear myopathy (PMID: 23975875). In summary, the currently available evidence indicates that the variant is pathogenic, but additional data are needed to prove that conclusively. Therefore, this variant has been classified as Likely Pathogenic.

Literature cited by the submitters: PubMed 25589632; PubMed 23975875.